The following is an entry in ClinVar:

NM_032578.4(MYPN):c.3075+32C>T

Genes: MYPN (myopalladin; plus strand), LOC132089829 (Neanderthal introgressed variant-containing enhancer experimental_16132; plus strand). Cytogenetic location: 10q21.3.
Variant type: single nucleotide variant.
Coding change: c.3075+32C>T on transcript NM_032578.4 (MANE Select); 32 bases into the intron after coding-DNA position 3075, C replaced by T.
Molecular consequence: intron variant.
Genome position (GRCh38, 1-based): chr10:68,194,544, C>T. VCF-style: chr10-68194544-C-T. GRCh37 (hg19) VCF-style: chr10-69954301-C-T.
Other names: c.3075+32C>T (NM_001256267.2); c.2193+32C>T (NM_001256268.2).
Identifiers: ClinVar variation 671506 (VCV000671506.2), dbSNP rs11815154, ClinGen allele CA5522938.

ClinVar aggregate classification (germline): Benign. Review status: criteria provided, multiple submitters, no conflicts (2 of 4 stars). 2 submissions from 2 submitters: Benign (2). Last evaluated 2018-06-14.

Allele frequency attached by ClinVar (database versions not stated): 1000 Genomes Project 0.11781; 1000 Genomes Project 30x 0.11805; ESP Exome Variant Server 0.11887; gnomAD 0.12433 and 0.12267; ExAC 0.15125; gnomAD exomes 0.15240 and 0.15682; TOPMed 0.12317.
gnomAD v4.1: 240,789 of 1,609,770 alleles (15%); highest among the groups gnomAD compares: Admixed American, 22%; 19,557 homozygotes.

Submissions (2):

GeneDx
Classification: Benign. Last evaluated: 2018-06-14. Review status: criteria provided, single submitter. Criteria: GeneDx Variant Classification (06012015). Collection method: clinical testing. Allele origin: germline. Affected: yes.
Comment: This variant is considered likely benign or benign based on one or more of the following criteria: it is a conservative change, it occurs at a poorly conserved position in the protein, it is predicted to be benign by multiple in silico algorithms, and/or has population frequency not consistent with disease.

Breakthrough Genomics
Classification: Benign. Review status: criteria provided, single submitter. Criteria: ACMG Guidelines, 2015. Collection method: not provided. Allele origin: germline. Inheritance: Autosomal recessive inheritance. Affected: yes.